The following is an entry in ClinVar:

ClinVar aggregate classification (germline): Conflicting classifications of pathogenicity. Review status: criteria provided, conflicting classifications (1 of 4 stars). 5 submissions from 3 submitters: Uncertain significance (3); Likely benign (1). 1 of the submissions does not count toward it. Last evaluated 2025-01-28.

Conditions:
RYR1-related disorder. Also called: RYR1-related condition; RYR1-related disorders. Identifiers: MedGen CN239331.
Congenital multicore myopathy with external ophthalmoplegia (CMYO1B). Also called: MULTICORE MYOPATHY; Minicore myopathy with external ophthalmoplegia; Congenital myopathy 1B, autosomal recessive; Minicore myopathy; MULTIMINICORE DISEASE WITH EXTERNAL OPHTHALMOPLEGIA. Identifiers: Orphanet 598, Orphanet 98905, MedGen C1850674, MONDO:0009712, OMIM 255320, HP:0003789.
Central core myopathy (CMYO1A). Also called: CONGENITAL MYOPATHY 1A, AUTOSOMAL DOMINANT, WITH SUSCEPTIBILITY TO MALIGNANT HYPERTHERMIA; Central core disease; Myopathy, central fibrillar. Identifiers: Orphanet 597, MedGen C5830701, MONDO:0007294, OMIM 117000.
Malignant hyperthermia, susceptibility to, 1 (MHS1). Also called: Anesthesia related hyperthermia; Malignant hyperpyrexia; Fulminating hyperpyrexia; Pharmacogenic myopathy; RYR1-Related Malignant Hyperthermia Susceptibility; Malignant hyperthermia suceptibility 1. Identifiers: Orphanet 423, MedGen C2930980, MONDO:0007783, OMIM 145600.

Allele frequency attached by ClinVar (database versions not stated): gnomAD exomes 0.00002; gnomAD 0.00003; TOPMed 0.00003.
gnomAD v4.1: 25 of 1,215,182 alleles (0.0021%); highest among the groups gnomAD compares: Admixed American, 0.0043%; no homozygotes.

Submissions (5):

Labcorp Genetics (formerly Invitae), Labcorp
Classification: Likely benign for RYR1-related disorder. Last evaluated: 2025-01-28. Review status: criteria provided, single submitter. Criteria: Invitae Variant Classification Sherloc (09022015). Collection method: clinical testing. Allele origin: germline.

Illumina Laboratory Services, Illumina
Classification: Uncertain significance for Congenital multicore myopathy with external ophthalmoplegia. Last evaluated: 2018-01-12. Review status: criteria provided, single submitter. Criteria: ICSL Variant Classification Criteria 13 December 2019. Collection method: clinical testing. Allele origin: germline.

Illumina Laboratory Services, Illumina
Classification: Uncertain significance for Malignant hyperthermia, susceptibility to, 1. Last evaluated: 2018-01-12. Review status: criteria provided, single submitter. Criteria: ICSL Variant Classification Criteria 13 December 2019. Collection method: clinical testing. Allele origin: germline.

Illumina Laboratory Services, Illumina
Classification: Uncertain significance for Central core myopathy. Last evaluated: 2018-01-12. Review status: criteria provided, single submitter. Criteria: ICSL Variant Classification Criteria 13 December 2019. Collection method: clinical testing. Allele origin: germline.

PreventionGenetics, part of Exact Sciences
Classification: Likely benign for RYR1-related condition. Last evaluated: 2020-08-30. Review status: no assertion criteria provided. Collection method: clinical testing. Allele origin: germline. Not counted in ClinVar's aggregate classification.
Comment: This variant is classified as likely benign based on ACMG/AMP sequence variant interpretation guidelines (Richards et al. 2015 PMID: 25741868, with internal and published modifications).

NM_000540.3(RYR1):c.12840G>T (p.Ala4280=)

Gene: RYR1 (ryanodine receptor 1; plus strand). Cytogenetic location: 19q13.2.
Variant type: single nucleotide variant.
Coding change: c.12840G>T on transcript NM_000540.3 (MANE Select); coding-DNA position 12840, G replaced by T.
Protein change: p.Ala4280=; no amino-acid change (alanine 4280 retained).
Molecular consequence: synonymous variant.
Genome position (GRCh38, 1-based): chr19:38,565,174, G>T. VCF-style: chr19-38565174-G-T. GRCh37 (hg19) VCF-style: chr19-39055814-G-T.
Other names: c.12825G>T, p.Ala4275= (NM_001042723.2).
Identifiers: ClinVar variation 892697 (VCV000892697.14), dbSNP rs1292456827, ClinGen allele CA507355428.